The following is an entry in ClinVar:

ClinVar aggregate classification (germline): Uncertain significance (1 of 4 stars; one submission).

Allele frequency attached by ClinVar (database versions not stated): gnomAD 0.00001; ExAC 0.00002.
gnomAD v4.1: 9 of 1,613,094 alleles (0.00056%); highest among the groups gnomAD compares: Non-Finnish European, 0.00076%; no homozygotes.

Submission:

Labcorp Genetics (formerly Invitae), Labcorp
Classification: Uncertain significance. Last evaluated: 2024-10-24. Review status: criteria provided, single submitter. Criteria: Invitae Variant Classification Sherloc (09022015). Collection method: clinical testing. Allele origin: germline.
Comment: This sequence change replaces proline, which is neutral and non-polar, with leucine, which is neutral and non-polar, at codon 104 of the ADAMTSL4 protein (p.Pro104Leu). This variant is present in population databases (rs775513427, gnomAD 0.002%). This variant has not been reported in the literature in individuals affected with ADAMTSL4-related conditions. ClinVar contains an entry for this variant (Variation ID: 1364460). An algorithm developed to predict the effect of missense changes on protein structure and function outputs the following: PolyPhen-2: "Benign". The leucine amino acid residue is found in multiple mammalian species, which suggests that this missense change does not adversely affect protein function. In summary, the available evidence is currently insufficient to determine the role of this variant in disease. Therefore, it has been classified as a Variant of Uncertain Significance.

NM_019032.6(ADAMTSL4):c.311C>T (p.Pro104Leu)

Genes: ADAMTSL4 (ADAMTS like 4; plus strand), ADAMTSL4-AS2 (ADAMTSL4 antisense RNA 2; minus strand). Cytogenetic location: 1q21.2.
Variant type: single nucleotide variant.
Coding change: c.311C>T on transcript NM_019032.6 (MANE Select); coding-DNA position 311, C replaced by T.
Protein change: p.Pro104Leu; replaces proline 104 with leucine.
Molecular consequence: missense variant.
Genome position (GRCh38, 1-based): chr1:150,553,130, C>T. VCF-style: chr1-150553130-C-T. GRCh37 (hg19) VCF-style: chr1-150525606-C-T.
Other names: c.311C>T, p.Pro104Leu (NM_001288607.2, NM_001288608.2, NM_001378596.1 and 1 more transcripts); short protein forms P104L.
Identifiers: ClinVar variation 1364460 (VCV001364460.4), dbSNP rs775513427, ClinGen allele CA1077926.